The following is an entry in ClinVar:

ClinVar aggregate classification (germline): Uncertain significance. Review status: criteria provided, multiple submitters, no conflicts (2 of 4 stars). 2 submissions from 2 submitters: Uncertain significance (2). Last evaluated 2024-12-05.

gnomAD v4.1: 4 of 1,613,886 alleles (0.00025%); highest among the groups gnomAD compares: Non-Finnish European, 0.00034%; no homozygotes.

Submissions (2):

Labcorp Genetics (formerly Invitae), Labcorp
Classification: Uncertain significance. Last evaluated: 2024-12-05. Review status: criteria provided, single submitter. Criteria: Invitae Variant Classification Sherloc (09022015). Collection method: clinical testing. Allele origin: germline.
Comment: This sequence change replaces arginine, which is basic and polar, with glutamine, which is neutral and polar, at codon 1954 of the FRYL protein (p.Arg1954Gln). This variant is present in population databases (rs752722074, gnomAD 0.0009%). This variant has not been reported in the literature in individuals affected with FRYL-related conditions. An algorithm developed to predict the effect of missense changes on protein structure and function (PolyPhen-2) suggests that this variant is likely to be disruptive. In summary, the available evidence is currently insufficient to determine the role of this variant in disease. Therefore, it has been classified as a Variant of Uncertain Significance.

Ambry Genetics
Classification: Uncertain significance. Last evaluated: 2024-08-12. Review status: criteria provided, single submitter. Criteria: Ambry Variant Classification Scheme 2023. Collection method: clinical testing. Allele origin: germline.

NM_015030.2(FRYL):c.5861G>A (p.Arg1954Gln)

Gene: FRYL (FRY like transcription coactivator; minus strand). Cytogenetic location: 4p11.
Variant type: single nucleotide variant.
Coding change: c.5861G>A on transcript NM_015030.2 (MANE Select); coding-DNA position 5861, G replaced by A.
Protein change: p.Arg1954Gln; replaces arginine 1954 with glutamine.
Molecular consequence: missense variant.
Genome position (GRCh38, 1-based): chr4:48,540,787, C>T on the plus strand (G>A on the coding strand, the complement: FRYL is on the minus strand). VCF-style: chr4-48540787-C-T. GRCh37 (hg19) VCF-style: chr4-48542804-C-T.
Other names: short protein forms R1954Q.
Identifiers: ClinVar variation 3517413 (VCV003517413.3).